The following is an entry in ClinVar:

ClinVar aggregate classification (germline): Pathogenic (1 of 4 stars; one submission).

Conditions:
Factor I deficiency (CFID). Also called: Complement factor I deficiency. Identifiers: Orphanet 200418, MedGen C3463916, MONDO:0012594, OMIM 610984.

Submission:

MVZ Medizinische Genetik Mainz
Classification: Pathogenic for Factor I deficiency. Last evaluated: 2026-04-07. Review status: criteria provided, single submitter. Criteria: UK Practice Guidelines For Variant Classification V4 01 2020. Collection method: clinical testing. Allele origin: germline. Inheritance: Autosomal recessive inheritance. Affected: yes. Observed: 1 variant allele.
Comment: ACMG Criteria: PVS1,PP4_STR,PM2_SUP,PM3_SUP

NM_000204.5(CFI):c.1583_1602del (p.Pro528fs)

Gene: CFI (complement factor I; minus strand). Cytogenetic location: 4q25.
Variant type: Deletion.
Coding change: c.1583_1602del on transcript NM_000204.5 (MANE Select); coding-DNA positions 1583 to 1602, 20 bases deleted (CCTTAGTCTGTATGGATGCC).
Protein change: p.Pro528fs; shifts the reading frame from proline 528.
Molecular consequence: frameshift variant. On other transcripts: 3 prime UTR variant (2), non-coding transcript variant (3), intron variant (7).
Genome position (GRCh38, 1-based): chr4:109,741,043-109,741,062, GGCATCCATACAGACTAAGG deleted on the plus strand (CCTTAGTCTGTATGGATGCC on the coding strand, the reverse complement: CFI is on the minus strand); deleting any 20 consecutive bases within chr4:109,741,043-109,741,065 gives the same sequence; the c. name uses the placement nearest the transcript's 3' end. VCF-style (leftmost placement, unchanged base first): chr4-109741042-TGGCATCCATACAGACTAAGG-T. GRCh37 (hg19) VCF-style: chr4-110662198-TGGCATCCATACAGACTAAGG-T.
Other names: c.1607_1626del, p.Pro536fs (NM_001318057.2); c.1562_1581del, p.Pro521fs (NM_001331035.2); c.1526_1545del, p.Pro509fs (NM_001375283.1); c.974_993del, p.Pro325fs (NM_001375284.1); c.1604_1623del, p.Pro535fs (NM_001440986.1); c.*283_*302del (NM_001440989.1, NM_001440991.1); c.1513+1429_1513+1448del (NM_001375282.1, NM_001375280.1); c.1534+1429_1534+1448del (NM_001375281.1, NM_001375279.1); and 2 more; short protein forms P325fs, P509fs, P521fs, P528fs, P535fs, P536fs.
Identifiers: ClinVar variation 5038092 (VCV005038092.1).